The following is an entry in ClinVar:

ClinVar aggregate classification (germline): Uncertain significance (0 of 4 stars; one submission).

Conditions:
AP1G1-related disorder. Also called: AP1G1-related condition.

Submission:

PreventionGenetics, part of Exact Sciences
Classification: Uncertain significance for AP1G1-related condition. Last evaluated: 2024-08-23. Review status: no assertion criteria provided. Collection method: clinical testing. Allele origin: germline.
Comment: The AP1G1 c.1576C>T variant is predicted to result in premature protein termination (p.Arg526*). To our knowledge, this variant has not been reported in the literature or in a large population database, indicating this variant is rare. Although we suspect that this variant may be pathogenic, at this time, the clinical significance of this variant is uncertain due to the absence of conclusive functional and genetic evidence.

NM_001128.6(AP1G1):c.1567C>T (p.Arg523Ter)

Gene: AP1G1 (adaptor related protein complex 1 subunit gamma 1; minus strand). Cytogenetic location: 16q22.2.
Variant type: single nucleotide variant.
Coding change: c.1567C>T on transcript NM_001128.6 (MANE Select); coding-DNA position 1567, C replaced by T.
Protein change: p.Arg523Ter; replaces arginine 523 with a stop codon.
Molecular consequence: nonsense.
Genome position (GRCh38, 1-based): chr16:71,748,309, G>A on the plus strand (C>T on the coding strand, the complement: AP1G1 is on the minus strand). VCF-style: chr16-71748309-G-A. GRCh37 (hg19) VCF-style: chr16-71782212-G-A.
Other names: c.1576C>T, p.Arg526Ter (NM_001030007.2); short protein forms R523*, R526*.
Identifiers: ClinVar variation 3347862 (VCV003347862.1).